The following is an entry in ClinVar:

NM_000070.3(CAPN3):c.1030-14T>C

Gene: CAPN3 (calpain 3; plus strand). Cytogenetic location: 15q15.1.
Variant type: single nucleotide variant.
Coding change: c.1030-14T>C on transcript NM_000070.3 (MANE Select); 14 bases into the intron before coding-DNA position 1030, T replaced by C.
Molecular consequence: intron variant.
Genome position (GRCh38, 1-based): chr15:42,394,242, T>C. VCF-style: chr15-42394242-T-C. GRCh37 (hg19) VCF-style: chr15-42686440-T-C.
Other names: c.1030-14T>C (NM_024344.2); c.886-14T>C (NM_173087.2).
Identifiers: ClinVar variation 1930820 (VCV001930820.2), dbSNP rs896826849, ClinGen allele CA269840780.

ClinVar aggregate classification (germline): Uncertain significance (1 of 4 stars; one submission).

Conditions:
Autosomal recessive limb-girdle muscular dystrophy type 2A (LGMDR1). Also called: Muscular dystrophy, limb-girdle, type 2A, Amish; Limb-girdle muscular dystrophy, type 2A; Calpainopathy; LEYDEN-MOEBIUS MUSCULAR DYSTROPHY; MUSCULAR DYSTROPHY, PELVOFEMORAL. Identifiers: Orphanet 267, MedGen C1869123, MONDO:0009675, OMIM 253600. Disease mechanism: loss of function.

gnomAD v4.1: 2 of 1,553,146 alleles (0.00013%); highest among the groups gnomAD compares: Non-Finnish European, 0.00017%; no homozygotes.

Submission:

Labcorp Genetics (formerly Invitae), Labcorp
Classification: Uncertain significance for Autosomal recessive limb-girdle muscular dystrophy type 2A. Last evaluated: 2022-09-23. Review status: criteria provided, single submitter. Criteria: Invitae Variant Classification Sherloc (09022015). Collection method: clinical testing. Allele origin: germline.
Comment: This sequence change falls in intron 7 of the CAPN3 gene. It does not directly change the encoded amino acid sequence of the CAPN3 protein. This variant is not present in population databases (gnomAD no frequency). This variant has not been reported in the literature in individuals affected with CAPN3-related conditions. Algorithms developed to predict the effect of sequence changes on RNA splicing suggest that this variant may disrupt the consensus splice site. In summary, the available evidence is currently insufficient to determine the role of this variant in disease. Therefore, it has been classified as a Variant of Uncertain Significance.